The following is an entry in ClinVar:

NM_000719.7(CACNA1C):c.3357-3C>T

Gene: CACNA1C (calcium voltage-gated channel subunit alpha1 C; plus strand). Cytogenetic location: 12p13.33.
Variant type: single nucleotide variant.
Coding change: c.3357-3C>T on transcript NM_000719.7 (MANE Select); 3 bases into the intron before coding-DNA position 3357, C replaced by T.
Molecular consequence: intron variant.
Genome position (GRCh38, 1-based): chr12:2,608,508, C>T. VCF-style: chr12-2608508-C-T. GRCh37 (hg19) VCF-style: chr12-2717674-C-T.
Other names: c.3357-3C>T (NM_001167624.3, NM_001167623.2, NM_001167625.2 and 15 more transcripts); c.3417-3C>T (NM_199460.4, NM_001129827.2, NM_001129832.2); c.3348-3C>T (NM_001129844.2).
Identifiers: ClinVar variation 951244 (VCV000951244.10), dbSNP rs757159281, ClinGen allele CA6389226.
Genomic context (GRCh38, chr12:2,608,508, plus strand): 5'-GTCCTTCCGCAGAGGGGACCCTGCTTCTCCAGTTCCCTCTGTGGGACCTGTCTCCTCCTG[C>T]AGGCTGCTGTACCGCTCCATCGACTCCCACACGGAAGACAAGGGCCCCATCTACAACTAC-3'

ClinVar aggregate classification (germline): Uncertain significance (1 of 4 stars; one submission).

Conditions:
Long QT syndrome (LQTS). Identifiers: MedGen C0023976, MeSH D008133, MONDO:0002442. Disease mechanism: loss of function. Inheritance: Various modes of inheritance.

Allele frequency attached by ClinVar (database versions not stated): gnomAD exomes below 0.00001 and 0.00001; ExAC 0.00003.
gnomAD v4.1: 3 of 1,601,820 alleles (0.00019%); highest among the groups gnomAD compares: Non-Finnish European, 0.00026%; no homozygotes.

Submission:

Labcorp Genetics (formerly Invitae), Labcorp
Classification: Uncertain significance for Long QT syndrome. Last evaluated: 2019-04-17. Review status: criteria provided, single submitter. Criteria: Invitae Variant Classification Sherloc (09022015). Collection method: clinical testing. Allele origin: germline.
Comment: This sequence change falls in intron 26 of the CACNA1C gene. It does not directly change the encoded amino acid sequence of the CACNA1C protein, but it affects a nucleotide within the consensus splice site of the intron. This variant is present in population databases (rs757159281, ExAC 0.006%). This variant has not been reported in the literature in individuals with CACNA1C-related conditions. Nucleotide substitutions within the consensus splice site are a relatively common cause of aberrant splicing (PMID: 17576681, 9536098). Algorithms developed to predict the effect of sequence changes on RNA splicing suggest that this variant is not likely to affect RNA splicing, but this prediction has not been confirmed by published transcriptional studies. In summary, the available evidence is currently insufficient to determine the role of this variant in disease. Therefore, it has been classified as a Variant of Uncertain Significance.

Literature cited by the submitters: PubMed 17576681; PubMed 9536098.